The following is an entry in ClinVar:

ClinVar aggregate classification (germline): Uncertain significance (1 of 4 stars; one submission).

Conditions:
Neuropathy, hereditary sensory and autonomic, type 2A (HSAN2A). Also called: ACROOSTEOLYSIS, GIACCAI TYPE; ACROOSTEOLYSIS, NEUROGENIC; MORVAN DISEASE; NEUROPATHY, CONGENITAL SENSORY; NEUROPATHY, HEREDITARY SENSORY RADICULAR, AUTOSOMAL RECESSIVE; NEUROPATHY, HEREDITARY SENSORY, TYPE IIA. Identifiers: Orphanet 970, MedGen C2752089, MONDO:0024309, OMIM 201300.
Generalized epilepsy with febrile seizures plus, type 7 (GEFSP7). Also called: GEFS+, TYPE 7. Identifiers: Orphanet 36387, MedGen C2751778, MONDO:0013470, OMIM 613863.

Submission:

Labcorp Genetics (formerly Invitae), Labcorp
Classification: Uncertain significance for Neuropathy, hereditary sensory and autonomic, type 2A; Generalized epilepsy with febrile seizures plus, type 7. Last evaluated: 2023-06-23. Review status: criteria provided, single submitter. Criteria: Invitae Variant Classification Sherloc (09022015). Collection method: clinical testing. Allele origin: germline.
Comment: Algorithms developed to predict the effect of sequence changes on RNA splicing suggest that this variant may disrupt the consensus splice site. This sequence change falls in intron 3 of the SCN9A gene. It does not directly change the encoded amino acid sequence of the SCN9A protein. This variant is not present in population databases (gnomAD no frequency). This variant has not been reported in the literature in individuals affected with SCN9A-related conditions. In summary, the available evidence is currently insufficient to determine the role of this variant in disease. Therefore, it has been classified as a Variant of Uncertain Significance.

NM_001365536.1(SCN9A):c.378-6A>C

Gene: SCN9A (sodium voltage-gated channel alpha subunit 9; minus strand). Cytogenetic location: 2q24.3.
Variant type: single nucleotide variant.
Coding change: c.378-6A>C on transcript NM_001365536.1 (MANE Select); 6 bases into the intron before coding-DNA position 378, A replaced by C.
Molecular consequence: intron variant.
Genome position (GRCh38, 1-based): chr2:166,306,605, T>G on the plus strand (A>C on the coding strand, the complement: SCN9A is on the minus strand). VCF-style: chr2-166306605-T-G. GRCh37 (hg19) VCF-style: chr2-167163115-T-G.
Other names: c.378-6A>C (NM_002977.4).
Identifiers: ClinVar variation 2949219 (VCV002949219.3), dbSNP rs2468133404, ClinGen allele CA2740095799.